The following is an entry in ClinVar:

NM_001111125.3(IQSEC2):c.4348T>C (p.Ser1450Pro)

Gene: IQSEC2 (IQ motif and Sec7 domain ArfGEF 2; minus strand). Cytogenetic location: Xp11.22.
Variant type: single nucleotide variant.
Coding change: c.4348T>C on transcript NM_001111125.3 (MANE Select); coding-DNA position 4348, T replaced by C.
Protein change: p.Ser1450Pro; replaces serine 1450 with proline.
Molecular consequence: missense variant. On other transcripts: 3 prime UTR variant (1).
Genome position (GRCh38, 1-based): chrX:53,234,338, A>G on the plus strand (T>C on the coding strand, the complement: IQSEC2 is on the minus strand). VCF-style: chrX-53234338-A-G. GRCh37 (hg19) VCF-style: chrX-53263520-A-G.
Other names: c.*833T>C (NM_001410736.1, NM_015075.2); short protein forms S1450P.
Identifiers: ClinVar variation 1800754 (VCV001800754.10), dbSNP rs868948360, ClinGen allele CA413138596.

ClinVar aggregate classification (germline): Uncertain significance. Review status: criteria provided, multiple submitters, no conflicts (2 of 4 stars). 3 submissions from 3 submitters: Uncertain significance (3). Last evaluated 2025-03-11.

Conditions:
Intellectual developmental disorder, X-linked 1. Also called: MENTAL RETARDATION, X-LINKED 18; MENTAL RETARDATION, X-LINKED 78; Atkin Flaitz Patil Smith syndrome; Intellectual disability, X-linked 1. Identifiers: Orphanet 777, MedGen C2931498, MONDO:0010656, OMIM 309530.

Submissions (3):

Labcorp Genetics (formerly Invitae), Labcorp
Classification: Uncertain significance for Intellectual developmental disorder, X-linked 1. Last evaluated: 2025-03-11. Review status: criteria provided, single submitter. Criteria: Invitae Variant Classification Sherloc (09022015). Collection method: clinical testing. Allele origin: germline.
Comment: This sequence change replaces serine, which is neutral and polar, with proline, which is neutral and non-polar, at codon 1450 of the IQSEC2 protein (p.Ser1450Pro). The frequency data for this variant in the population databases is considered unreliable, as metrics indicate poor data quality at this position in the gnomAD database. This variant has not been reported in the literature in individuals affected with IQSEC2-related conditions. ClinVar contains an entry for this variant (Variation ID: 1800754). Invitae Evidence Modeling of protein sequence and biophysical properties (such as structural, functional, and spatial information, amino acid conservation, physicochemical variation, residue mobility, and thermodynamic stability) indicates that this missense variant is not expected to disrupt IQSEC2 protein function with a negative predictive value of 95%. In summary, the available evidence is currently insufficient to determine the role of this variant in disease. Therefore, it has been classified as a Variant of Uncertain Significance.

Women's Health and Genetics/Laboratory Corporation of America, LabCorp
Classification: Uncertain significance. Last evaluated: 2024-10-08. Review status: criteria provided, single submitter. Criteria: LabCorp Variant Classification Summary - May 2015. Collection method: clinical testing. Allele origin: germline.
Comment: Variant summary: IQSEC2 c.4348T>C (p.Ser1450Pro) results in a non-conservative amino acid change in the encoded protein sequence. Three of four in-silico tools predict a damaging effect of the variant on protein function. The frequency data for this variant in gnomAD is considered unreliable, as metrics indicate poor data quality at this position. To our knowledge, no occurrence of c.4348T>C in individuals affected with Intellectual Disability, X-Linked 1 and no experimental evidence demonstrating its impact on protein function have been reported. ClinVar contains an entry for this variant (Variation ID: 1800754). Based on the evidence outlined above, the variant was classified as uncertain significance.

GeneDx
Classification: Uncertain significance. Last evaluated: 2022-05-16. Review status: criteria provided, single submitter. Criteria: GeneDx Variant Classification Process June 2021. Collection method: clinical testing. Allele origin: germline. Affected: yes.
Comment: In silico analysis supports that this missense variant does not alter protein structure/function; Has not been previously published as pathogenic or benign to our knowledge